The following is an entry in ClinVar:

NM_199242.3(UNC13D):c.3118A>G (p.Thr1040Ala)

Gene: UNC13D (unc-13 homolog D; minus strand). Cytogenetic location: 17q25.1.
Variant type: single nucleotide variant.
Coding change: c.3118A>G on transcript NM_199242.3 (MANE Select); coding-DNA position 3118, A replaced by G.
Protein change: p.Thr1040Ala; replaces threonine 1040 with alanine.
Molecular consequence: missense variant.
Genome position (GRCh38, 1-based): chr17:75,828,820, T>C on the plus strand (A>G on the coding strand, the complement: UNC13D is on the minus strand). VCF-style: chr17-75828820-T-C. GRCh37 (hg19) VCF-style: chr17-73824901-T-C.
Other names: short protein forms T1040A.
Identifiers: ClinVar variation 1360647 (VCV001360647.6), dbSNP rs773314418, ClinGen allele CA401074151.

ClinVar aggregate classification (germline): Uncertain significance (1 of 4 stars; one submission).

Conditions:
Familial hemophagocytic lymphohistiocytosis 3 (FHL3). Also called: UNC13D-Related Familial Hemophagocytic Lymphohistiocytosis (UNC13D-fHLH). Identifiers: Orphanet 540, MedGen C1837174, MONDO:0012146, OMIM 608898.

Submission:

Labcorp Genetics (formerly Invitae), Labcorp
Classification: Uncertain significance for Familial hemophagocytic lymphohistiocytosis 3. Last evaluated: 2021-04-16. Review status: criteria provided, single submitter. Criteria: Invitae Variant Classification Sherloc (09022015). Collection method: clinical testing. Allele origin: germline.
Comment: In summary, the available evidence is currently insufficient to determine the role of this variant in disease. Therefore, it has been classified as a Variant of Uncertain Significance. This sequence change replaces threonine with alanine at codon 1040 of the UNC13D protein (p.Thr1040Ala). The threonine residue is weakly conserved and there is a small physicochemical difference between threonine and alanine. The frequency data for this variant in the population databases is considered unreliable, as metrics indicate insufficient coverage at this position in the ExAC database. This variant has not been reported in the literature in individuals with UNC13D-related conditions. Algorithms developed to predict the effect of missense changes on protein structure and function are either unavailable or do not agree on the potential impact of this missense change (SIFT: "Not Available"; PolyPhen-2: "Benign"; Align-GVGD: "Not Available").